The following is an entry in ClinVar:

ClinVar aggregate classification (germline): Conflicting classifications of pathogenicity. Review status: criteria provided, conflicting classifications (1 of 4 stars). 2 submissions from 2 submitters: Uncertain significance (1); Likely benign (1). Last evaluated 2024-11-11.

Conditions:
EPILEPSY, CHILDHOOD ABSENCE, SUSCEPTIBILITY TO, 2 (ECA2). Identifiers: Orphanet 64280, MedGen C1843244, OMIM 607681.
Febrile seizures, familial, 8 (FEB8). Also called: CONVULSIONS, FAMILIAL FEBRILE, 8. Identifiers: Orphanet 36387, MedGen C1969810, MONDO:0011891, OMIM 607681.

Allele frequency attached by ClinVar (database versions not stated): gnomAD exomes below 0.00001; gnomAD 0.00001.
gnomAD v4.1: 3 of 1,613,196 alleles (0.00019%); highest among the groups gnomAD compares: Admixed American, 0.005%; no homozygotes.

Submissions (2):

Labcorp Genetics (formerly Invitae), Labcorp
Classification: Uncertain significance for Febrile seizures, familial, 8; EPILEPSY, CHILDHOOD ABSENCE, SUSCEPTIBILITY TO, 2. Last evaluated: 2024-11-11. Review status: criteria provided, single submitter. Criteria: Invitae Variant Classification Sherloc (09022015). Collection method: clinical testing. Allele origin: germline.
Comment: This sequence change replaces valine, which is neutral and non-polar, with isoleucine, which is neutral and non-polar, at codon 13 of the GABRG2 protein (p.Val13Ile). This variant is present in population databases (rs796052502, gnomAD 0.003%). This variant has not been reported in the literature in individuals affected with GABRG2-related conditions. ClinVar contains an entry for this variant (Variation ID: 205536). Invitae Evidence Modeling of protein sequence and biophysical properties (such as structural, functional, and spatial information, amino acid conservation, physicochemical variation, residue mobility, and thermodynamic stability) indicates that this missense variant is not expected to disrupt GABRG2 protein function with a negative predictive value of 95%. In summary, the available evidence is currently insufficient to determine the role of this variant in disease. Therefore, it has been classified as a Variant of Uncertain Significance.

GeneDx
Classification: Likely benign. Last evaluated: 2013-08-07. Review status: criteria provided, single submitter. Criteria: GeneDx Variant Classification (06012015). Collection method: clinical testing. Allele origin: germline. Affected: yes.
Comment: This variant is considered likely benign or benign based on one or more of the following criteria: it is a conservative change, it occurs at a poorly conserved position in the protein, it is predicted to be benign by multiple in silico algorithms, and/or has population frequency not consistent with disease.

NM_198904.4(GABRG2):c.37G>A (p.Val13Ile)

Gene: GABRG2 (gamma-aminobutyric acid type A receptor subunit gamma2; plus strand). Cytogenetic location: 5q34.
Variant type: single nucleotide variant.
Coding change: c.37G>A on transcript NM_198904.4 (MANE Select); coding-DNA position 37, G replaced by A.
Protein change: p.Val13Ile; replaces valine 13 with isoleucine.
Molecular consequence: missense variant. On other transcripts: 5 prime UTR variant (3), intron variant (3).
Genome position (GRCh38, 1-based): chr5:162,068,036, G>A. VCF-style: chr5-162068036-G-A. GRCh37 (hg19) VCF-style: chr5-161495042-G-A.
Other names: p.V13I:GTC>ATC; c.37G>A, p.Val13Ile (NM_000816.3, NM_001375339.1, NM_001375340.1 and 5 more transcripts); c.-322G>A (NM_001375348.1, NM_001375350.1); c.-370G>A (NM_001375349.1); c.-3-27G>A (NM_001375346.1, NM_001375345.1); c.20+395G>A (NM_001375347.1); short protein forms V13I.
Identifiers: ClinVar variation 205536 (VCV000205536.10), dbSNP rs796052502, ClinGen allele CA314699.